The following is an entry in ClinVar:

NM_032999.4(GTF2I):c.832C>A (p.His278Asn)

Genes: GTF2I (general transcription factor IIi; plus strand), GTF2I-AS1 (GTF2I antisense RNA 1; minus strand). Cytogenetic location: 7q11.23.
Variant type: single nucleotide variant.
Coding change: c.832C>A on transcript NM_032999.4 (MANE Select); coding-DNA position 832, C replaced by A.
Protein change: p.His278Asn; replaces histidine 278 with asparagine.
Molecular consequence: missense variant.
Genome position (GRCh38, 1-based): chr7:74,716,902, C>A. VCF-style: chr7-74716902-C-A. GRCh37 (hg19) VCF-style: chr7-74131222-C-A.
Other names: c.829C>A, p.His277Asn (NM_001163636.3); c.772C>A, p.His258Asn (NM_001280800.2, NM_001518.5, NM_033000.4); c.832C>A, p.His278Asn (NM_033001.4); short protein forms H258N, H277N, H278N.
Identifiers: ClinVar variation 5009064 (VCV005009064.1).

ClinVar aggregate classification (germline): Uncertain significance (1 of 4 stars; one submission).

Submission:

GeneDx
Classification: Uncertain significance. Last evaluated: 2026-03-11. Review status: criteria provided, single submitter. Criteria: GeneDx Variant Classification Process June 2021. Collection method: clinical testing. Allele origin: germline.
Comment: Not observed at significant frequency in large population cohorts (gnomAD); In silico analysis suggests that this missense variant does not alter protein structure/function; Has not been previously published as pathogenic or benign to our knowledge